The following is an entry in ClinVar:

NM_144639.3(UROC1):c.1510-10C>T

Gene: UROC1 (urocanate hydratase 1; minus strand). Cytogenetic location: 3q21.3.
Variant type: single nucleotide variant.
Coding change: c.1510-10C>T on transcript NM_144639.3 (MANE Select); 10 bases into the intron before coding-DNA position 1510, C replaced by T.
Molecular consequence: intron variant.
Genome position (GRCh38, 1-based): chr3:126,492,526, G>A on the plus strand (C>T on the coding strand, the complement: UROC1 is on the minus strand). VCF-style: chr3-126492526-G-A. GRCh37 (hg19) VCF-style: chr3-126211369-G-A.
Other names: c.1690-10C>T (NM_001165974.2).
Identifiers: ClinVar variation 3035488 (VCV003035488.2), dbSNP rs773878271, ClinGen allele CA2590975.

ClinVar aggregate classification (germline): Likely benign (0 of 4 stars; one submission).

Conditions:
UROC1-related disorder. Also called: UROC1-related condition.

Allele frequency attached by ClinVar (database versions not stated): ExAC 0.00001; gnomAD exomes 0.00003; gnomAD 0.00005; TOPMed 0.00006.

Submission:

PreventionGenetics, part of Exact Sciences
Classification: Likely benign for UROC1-related condition. Last evaluated: 2019-08-06. Review status: no assertion criteria provided. Collection method: clinical testing. Allele origin: germline.
Comment: This variant is classified as likely benign based on ACMG/AMP sequence variant interpretation guidelines (Richards et al. 2015 PMID: 25741868, with internal and published modifications).